The following is an entry in ClinVar:

ClinVar aggregate classification (germline): Uncertain significance (1 of 4 stars; one submission).

Conditions:
Lethal congenital glycogen storage disease of heart. Also called: GLYCOGEN STORAGE DISEASE OF HEART; PHOSPHORYLASE KINASE DEFICIENCY OF HEART. Identifiers: Orphanet 439854, MedGen C1849813, MONDO:0009867, OMIM 261740.

Submission:

Labcorp Genetics (formerly Invitae), Labcorp
Classification: Uncertain significance for Lethal congenital glycogen storage disease of heart. Last evaluated: 2024-10-16. Review status: criteria provided, single submitter. Criteria: Invitae Variant Classification Sherloc (09022015). Collection method: clinical testing. Allele origin: germline.
Comment: This sequence change replaces aspartic acid, which is acidic and polar, with glutamic acid, which is acidic and polar, at codon 250 of the PRKAG2 protein (p.Asp250Glu). This variant is not present in population databases (gnomAD no frequency). This variant has not been reported in the literature in individuals affected with PRKAG2-related conditions. Invitae Evidence Modeling of protein sequence and biophysical properties (such as structural, functional, and spatial information, amino acid conservation, physicochemical variation, residue mobility, and thermodynamic stability) indicates that this missense variant is not expected to disrupt PRKAG2 protein function with a negative predictive value of 95%. In summary, the available evidence is currently insufficient to determine the role of this variant in disease. Therefore, it has been classified as a Variant of Uncertain Significance.

NM_016203.4(PRKAG2):c.750C>A (p.Asp250Glu)

Genes: PRKAG2 (protein kinase AMP-activated non-catalytic subunit gamma 2; minus strand), LOC129999660 (ATAC-STARR-seq lymphoblastoid silent region 18823; plus strand). Cytogenetic location: 7q36.1.
Variant type: single nucleotide variant.
Coding change: c.750C>A on transcript NM_016203.4 (MANE Select); coding-DNA position 750, C replaced by A.
Protein change: p.Asp250Glu; replaces aspartic acid 250 with glutamic acid.
Molecular consequence: missense variant. On other transcripts: intron variant (3).
Genome position (GRCh38, 1-based): chr7:151,632,073, G>T on the plus strand (C>A on the coding strand, the complement: PRKAG2 is on the minus strand). VCF-style: chr7-151632073-G-T. GRCh37 (hg19) VCF-style: chr7-151329159-G-T.
Other names: c.618C>A, p.Asp206Glu (NM_001040633.2, NM_001407024.1, NM_001407026.1 and 1 more transcripts); c.378C>A, p.Asp126Glu (NM_001304527.2, NM_001363698.2, NM_001407028.1 and 1 more transcripts); c.27C>A, p.Asp9Glu (NM_001304531.2, NM_001407034.1, NM_001407035.1 and 4 more transcripts); c.750C>A, p.Asp250Glu (NM_001407021.1, NM_001407022.1, NM_001407023.1); c.432C>A, p.Asp144Glu (NM_001407032.1); c.426C>A, p.Asp142Glu (NM_001407033.1); c.78C>A, p.Asp26Glu (NM_001407038.1); c.467-36622C>A (NM_001407031.1); and 2 more; short protein forms D26E, D126E, D144E, D206E, D9E, D142E, D250E.
Identifiers: ClinVar variation 3691386 (VCV003691386.2).